The following is an entry in ClinVar:

NM_024642.5(GALNT12):c.1036-13T>C

Gene: GALNT12 (polypeptide N-acetylgalactosaminyltransferase 12; plus strand). Cytogenetic location: 9q22.33.
Variant type: single nucleotide variant.
Coding change: c.1036-13T>C on transcript NM_024642.5 (MANE Select); 13 bases into the intron before coding-DNA position 1036, T replaced by C.
Molecular consequence: intron variant.
Genome position (GRCh38, 1-based): chr9:98,836,959, T>C. VCF-style: chr9-98836959-T-C. GRCh37 (hg19) VCF-style: chr9-101599241-T-C.
Identifiers: ClinVar variation 1663119 (VCV001663119.9), dbSNP rs1238369947, ClinGen allele CA869115355.

ClinVar aggregate classification (germline): Likely benign. Review status: criteria provided, multiple submitters, no conflicts (2 of 4 stars). 2 submissions from 2 submitters: Likely benign (2). Last evaluated 2026-04-22.

Conditions:
Colorectal cancer, susceptibility to, 1. Also called: COLORECTAL ADENOMA AND CANCER, SUSCEPTIBILITY TO; COLORECTAL CANCER, SUSCEPTIBILITY TO, ON CHROMOSOME 9. Identifiers: MedGen C1837315, MONDO:0012132, OMIM 608812.

Allele frequency attached by ClinVar (database versions not stated): gnomAD exomes 0.00001; gnomAD 0.00001; TOPMed below 0.00001.
gnomAD v4.1: 5 of 1,613,956 alleles (0.00031%); highest among the groups gnomAD compares: Non-Finnish European, 0.00042%; no homozygotes.

Submissions (2):

Myriad Genetics, Inc.
Classification: Likely benign for Colorectal cancer, susceptibility to, 1. Last evaluated: 2026-04-22. Review status: criteria provided, single submitter. Criteria: Myriad Autosomal Dominant, Autosomal Recessive and X-Linked Classification Criteria (2023). Collection method: clinical testing. Allele origin: unknown.
Comment: This variant is considered likely benign. This variant is intronic and is not expected to impact mRNA splicing.

Labcorp Genetics (formerly Invitae), Labcorp
Classification: Likely benign. Last evaluated: 2023-04-09. Review status: criteria provided, single submitter. Criteria: Invitae Variant Classification Sherloc (09022015). Collection method: clinical testing. Allele origin: germline.